The following is an entry in ClinVar:

NM_004183.4(BEST1):c.313C>T (p.Arg105Cys)

Gene: BEST1 (bestrophin 1; plus strand). Cytogenetic location: 11q12.3.
Variant type: single nucleotide variant.
Coding change: c.313C>T on transcript NM_004183.4 (MANE Select); coding-DNA position 313, C replaced by T.
Protein change: p.Arg105Cys; replaces arginine 105 with cysteine.
Molecular consequence: missense variant. On other transcripts: non-coding transcript variant (1).
Genome position (GRCh38, 1-based): chr11:61,955,783, C>T. VCF-style: chr11-61955783-C-T. GRCh37 (hg19) VCF-style: chr11-61723255-C-T.
Other names: c.133C>T, p.Arg45Cys (NM_001139443.3, NM_001300786.2, NM_001300787.2); c.-6C>T (NM_001363591.3); c.313C>T, p.Arg105Cys (NM_001363592.2); c.-863C>T (NM_001363593.3); short protein forms R105C, R45C.
Identifiers: ClinVar variation 99714 (VCV000099714.7), dbSNP rs281865273, ClinGen allele CA227767.
Genomic context (GRCh38, chr11:61,955,783, plus strand): 5'-TACGTGACGCTGGTCGTGACCCGCTGGTGGAACCAGTACGAGAACCTGCCGTGGCCCGAC[C>T]GCCTCATGAGCCTGGTGTCGGGCTTCGTCGAAGGCAAGGACGAGCAAGGCCGGCTGCTGC-3'
Protein context (NP_004174.1, residues 95-115): NQYENLPWPD[Arg105Cys]LMSLVSGFVE

ClinVar aggregate classification (germline): Conflicting classifications of pathogenicity. Review status: criteria provided, conflicting classifications (1 of 4 stars). 3 submissions from 3 submitters: Likely pathogenic (1); Uncertain significance (1). 1 of the submissions does not count toward it. Last evaluated 2024-10-29.

Conditions:
BEST1-related disorder. Also called: BEST1-related disorders; BEST1-related condition. Identifiers: MedGen CN239200.

Allele frequency attached by ClinVar (database versions not stated): ExAC below 0.00001; gnomAD 0.00002; TOPMed 0.00002.

Submissions (3):

Labcorp Genetics (formerly Invitae), Labcorp
Classification: Uncertain significance. Last evaluated: 2024-10-29. Review status: criteria provided, single submitter. Criteria: Invitae Variant Classification Sherloc (09022015). Collection method: clinical testing. Allele origin: germline.
Comment: This sequence change replaces arginine, which is basic and polar, with cysteine, which is neutral and slightly polar, at codon 105 of the BEST1 protein (p.Arg105Cys). This variant is present in population databases (rs281865273, gnomAD 0.01%). This variant has not been reported in the literature in individuals affected with BEST1-related conditions. ClinVar contains an entry for this variant (Variation ID: 99714). Invitae Evidence Modeling of protein sequence and biophysical properties (such as structural, functional, and spatial information, amino acid conservation, physicochemical variation, residue mobility, and thermodynamic stability) indicates that this missense variant is expected to disrupt BEST1 protein function with a positive predictive value of 95%. In summary, the available evidence is currently insufficient to determine the role of this variant in disease. Therefore, it has been classified as a Variant of Uncertain Significance.

Blueprint Genetics
Classification: Likely pathogenic for BEST1-related disorders. Last evaluated: 2019-08-21. Review status: criteria provided, single submitter. Criteria: ACMG Guidelines, 2015. Collection method: clinical testing. Allele origin: germline. Affected: yes. Observed: 2 variant alleles.

Retina International
No classification provided. Review status: no classification provided. Collection method: not provided. Allele origin: not provided. Not counted in ClinVar's aggregate classification.